The following is an entry in ClinVar:

NM_001042492.3(NF1):c.1392+2del

Gene: NF1 (neurofibromin 1; plus strand). Cytogenetic location: 17q11.2.
Variant type: Deletion.
Coding change: c.1392+2del on transcript NM_001042492.3 (MANE Select); the canonical splice donor site of the intron after coding-DNA position 1392, one base deleted (T; older notation c.1392+2delT).
Molecular consequence: splice donor variant.
Genome position (GRCh38, 1-based): chr17:31,206,373, T deleted. VCF-style (leftmost placement, unchanged base first): chr17-31206372-GT-G. GRCh37 (hg19) VCF-style: chr17-29533390-GT-G.
Other names: c.1392+2delT (NM_000267.3); c.1392+2del (NM_000267.4, NM_001128147.3).
Identifiers: ClinVar variation 819072 (VCV000819072.9), dbSNP rs1597689068, ClinGen allele CA915949689.
Genomic context (GRCh38, chr17:31,206,372, plus strand): 5'-GAAACACTTCATAAAGCAGTGCAAGGTTGTGGAGCACACCCAGCAATACGAATGGCACCG[GT>G]AAGATAAATCACGAATTTTGAATCTCACCTCCTTTCTATTGCATTTTTTTTAGTGTCTTT-3'

ClinVar aggregate classification (germline): Pathogenic/Likely pathogenic. Review status: criteria provided, multiple submitters, no conflicts (2 of 4 stars). 2 submissions from 2 submitters: Pathogenic (1); Likely pathogenic (1). Last evaluated 2022-06-11.

Conditions:
Hereditary cancer-predisposing syndrome. Also called: Hereditary Cancer Syndrome; Neoplastic Syndromes, Hereditary; Hereditary neoplastic syndrome; Tumor predisposition. Identifiers: Orphanet 140162, MedGen C0027672, MeSH D009386, MONDO:0015356.
Cardiovascular phenotype. Identifiers: MedGen CN230736.
Neurofibromatosis, type 1 (NF1). Also called: Peripheral type neurofibromatosis; Neurofibromatosis, type I; NEUROFIBROMATOSIS, TYPE I, SOMATIC; VON RECKLINGHAUSEN DISEASE. Identifiers: Orphanet 636, MedGen C0027831, MONDO:0018975, OMIM 162200. Disease mechanism: loss of function.

Submissions (2):

Labcorp Genetics (formerly Invitae), Labcorp
Classification: Likely pathogenic for Neurofibromatosis, type 1. Last evaluated: 2022-06-11. Review status: criteria provided, single submitter. Criteria: Invitae Variant Classification Sherloc (09022015). Collection method: clinical testing. Allele origin: germline.
Comment: This sequence change affects a splice site in intron 12 of the NF1 gene. It is expected to disrupt RNA splicing. Variants that disrupt the donor or acceptor splice site typically lead to a loss of protein function (PMID: 16199547), and loss-of-function variants in NF1 are known to be pathogenic (PMID: 10712197, 23913538). In summary, the currently available evidence indicates that the variant is pathogenic, but additional data are needed to prove that conclusively. Therefore, this variant has been classified as Likely Pathogenic. Algorithms developed to predict the effect of sequence changes on RNA splicing suggest that this variant may disrupt the consensus splice site. ClinVar contains an entry for this variant (Variation ID: 819072). This variant has not been reported in the literature in individuals affected with NF1-related conditions. This variant is not present in population databases (gnomAD no frequency).

Ambry Genetics
Classification: Pathogenic for Cardiovascular phenotype; Hereditary cancer-predisposing syndrome. Last evaluated: 2018-02-26. Review status: criteria provided, single submitter. Criteria: Ambry Variant Classification Scheme 2023. Collection method: clinical testing. Allele origin: germline.
Comment: The c.1392+2delT intronic pathogenic mutation, results from a deletion of a T two nucleotides downstream of coding exon 12 in the NF1 gene. This nucleotide position is highly conserved in available vertebrate species. Using the BDGP and ESEfinder splice site prediction tools, this alteration is predicted to abolish the native splice donor site; however, direct evidence is unavailable. A similar variant impacting the same position, c.1392+2T>A (also designated as IVS10a+2T>A), has been identified in a patient with NF1 presenting with plexiform neurofibroma (Kluwe L et al. Hum. Mutat., 2002 Mar;19:309). In addition to this data, alterations that disrupt the canonical splice site are expected to cause aberrant splicing, resulting in an abnormal protein or a transcript that is subject to nonsense-mediated mRNA decay. As such, this alteration is classified as a disease-causing mutation.

Literature cited by the submitters: PubMed 16199547 (cited by Labcorp Genetics (formerly Invitae), Labcorp); PubMed 10712197 (cited by Labcorp Genetics (formerly Invitae), Labcorp); PubMed 23913538 (cited by Labcorp Genetics (formerly Invitae), Labcorp).